The following is an entry in ClinVar:

NM_019594.4(LRRC8A):c.2127C>A (p.Asn709Lys)

Gene: LRRC8A (leucine rich repeat containing 8 VRAC subunit A; plus strand). Cytogenetic location: 9q34.11.
Variant type: single nucleotide variant.
Coding change: c.2127C>A on transcript NM_019594.4 (MANE Select); coding-DNA position 2127, C replaced by A.
Protein change: p.Asn709Lys; replaces asparagine 709 with lysine.
Molecular consequence: missense variant.
Genome position (GRCh38, 1-based): chr9:128,909,291, C>A. VCF-style: chr9-128909291-C-A. GRCh37 (hg19) VCF-style: chr9-131671570-C-A.
Other names: c.2127C>A, p.Asn709Lys (NM_001127244.2, NM_001127245.2); short protein forms N709K.
Identifiers: ClinVar variation 3668890 (VCV003668890.2).

ClinVar aggregate classification (germline): Uncertain significance (1 of 4 stars; one submission).

Submission:

Labcorp Genetics (formerly Invitae), Labcorp
Classification: Uncertain significance. Last evaluated: 2024-08-14. Review status: criteria provided, single submitter. Criteria: Invitae Variant Classification Sherloc (09022015). Collection method: clinical testing. Allele origin: germline.
Comment: This sequence change replaces asparagine, which is neutral and polar, with lysine, which is basic and polar, at codon 709 of the LRRC8A protein (p.Asn709Lys). This variant is not present in population databases (gnomAD no frequency). This variant has not been reported in the literature in individuals affected with LRRC8A-related conditions. An algorithm developed to predict the effect of missense changes on protein structure and function (PolyPhen-2) suggests that this variant is likely to be tolerated. In summary, the available evidence is currently insufficient to determine the role of this variant in disease. Therefore, it has been classified as a Variant of Uncertain Significance.